The following is an entry in ClinVar:

Conditions:
Long QT syndrome 5 (LQT5). Identifiers: Orphanet 101016, Orphanet 768, MedGen C1867904, MONDO:0013372, OMIM 613695.

Submission:

Roden Lab, Vanderbilt University Medical Center
No classification provided (evidence only). Condition: Long QT syndrome 5. Review status: no classification provided. Collection method: in vitro. Allele origin: not applicable. Functional consequence: Effect on ion channel function.
ClinVar note: "not provided" was previously submitted as the classification for the variant. However, the classification appeared to be based only on an observation of functional data so it was converted to no classification on 2025-07-30.

NM_000219.6(KCNE1):c.28A>T (p.Thr10Ser)

Gene: KCNE1 (potassium voltage-gated channel subfamily E regulatory subunit 1; minus strand). Cytogenetic location: 21q22.12.
Variant type: single nucleotide variant.
Coding change: c.28A>T on transcript NM_000219.6 (MANE Select); coding-DNA position 28, A replaced by T.
Protein change: p.Thr10Ser; replaces threonine 10 with serine.
Molecular consequence: missense variant.
Genome position (GRCh38, 1-based): chr21:34,449,607, T>A on the plus strand (A>T on the coding strand, the complement: KCNE1 is on the minus strand). VCF-style: chr21-34449607-T-A. GRCh37 (hg19) VCF-style: chr21-35821905-T-A.
Other names: c.28A>T, p.Thr10Ser (NM_001127668.4, NM_001127669.4, NM_001127670.4 and 4 more transcripts); short protein forms T10S.
Identifiers: ClinVar variation 3374541 (VCV003374541.2).